The following is an entry in ClinVar:

NM_007294.4(BRCA1):c.650G>C (p.Ser217Thr)

Gene: BRCA1 (BRCA1 DNA repair associated; minus strand). Cytogenetic location: 17q21.31.
Variant type: single nucleotide variant.
Coding change: c.650G>C on transcript NM_007294.4 (MANE Select); coding-DNA position 650, G replaced by C.
Protein change: p.Ser217Thr; replaces serine 217 with threonine.
Molecular consequence: missense variant. On other transcripts: non-coding transcript variant (1).
Genome position (GRCh38, 1-based): chr17:43,095,866, C>G on the plus strand (G>C on the coding strand, the complement: BRCA1 is on the minus strand). VCF-style: chr17-43095866-C-G. GRCh37 (hg19) VCF-style: chr17-41247883-C-G.
Other names: c.437G>C, p.Ser146Thr (NM_001407571.1, NM_001407853.1, NM_001407894.1 and 12 more transcripts); c.650G>C, p.Ser217Thr (NM_001407581.1, NM_001407582.1, NM_001407583.1 and 59 more transcripts); c.647G>C, p.Ser216Thr (NM_001407587.1, NM_001407590.1, NM_001407591.1 and 41 more transcripts); c.641G>C, p.Ser214Thr (NM_001407646.1, NM_001407647.1, NM_001408408.1); c.572G>C, p.Ser191Thr (NM_001407653.1, NM_001407654.1, NM_001407655.1 and 9 more transcripts); c.569G>C, p.Ser190Thr (NM_001407659.1, NM_001407660.1, NM_001407661.1 and 3 more transcripts); c.509G>C, p.Ser170Thr (NM_001407692.1, NM_001407694.1, NM_001407695.1 and 43 more transcripts); c.506G>C, p.Ser169Thr (NM_001407740.1, NM_001407741.1, NM_001407742.1 and 26 more transcripts); and 4 more; short protein forms S217T, S170T, S191T, S214T, S147T, S216T, S146T, S89T.
Identifiers: ClinVar variation 531351 (VCV000531351.14), dbSNP rs774284145, ClinGen allele CA10600801.

ClinVar aggregate classification (germline): Uncertain significance. Review status: criteria provided, multiple submitters, no conflicts (2 of 4 stars). 3 submissions from 3 submitters: Uncertain significance (3). Last evaluated 2025-06-23.

Conditions:
Hereditary cancer-predisposing syndrome. Also called: Tumor predisposition; Hereditary Cancer Syndrome; Hereditary neoplastic syndrome; Neoplastic Syndromes, Hereditary. Identifiers: Orphanet 140162, MedGen C0027672, MeSH D009386, MONDO:0015356.
Hereditary breast ovarian cancer syndrome. Also called: Breast and ovarian cancer; Hereditary breast and/or ovarian cancer syndrome; BRCA1- and BRCA2-Associated Hereditary Breast and Ovarian Cancer; Hereditary breast and ovarian cancer syndrome; Hereditary breast and ovarian cancer syndrome (HBOC); Hereditary breast and ovarian cancer. Identifiers: Orphanet 145, MedGen C0677776, MeSH D061325, MONDO:0003582. Disease mechanism: loss of function.
Breast-ovarian cancer, familial, susceptibility to, 1 (BROVCA1). Also called: BRCA1 Hereditary Breast and Ovarian Cancer; OVARIAN CANCER, SUSCEPTIBILITY TO. Identifiers: Orphanet 145, MedGen C2676676, MONDO:0011450, OMIM 604370. Disease mechanism: loss of function.

Allele frequency attached by ClinVar (database versions not stated): gnomAD exomes below 0.00001.
gnomAD v4.1: 1 of 1,613,808 alleles (0.000062%); highest among the groups gnomAD compares: Non-Finnish European, 0.000085%; no homozygotes.

Submissions (3):

Ambry Genetics
Classification: Uncertain significance for Hereditary cancer-predisposing syndrome. Last evaluated: 2025-06-23. Review status: criteria provided, single submitter. Criteria: Ambry Variant Classification Scheme 2023. Collection method: clinical testing. Allele origin: germline.
Comment: The p.S217T variant (also known as c.650G>C), located in coding exon 8 of the BRCA1 gene, results from a G to C substitution at nucleotide position 650. The serine at codon 217 is replaced by threonine, an amino acid with similar properties. This amino acid position is not well conserved in available vertebrate species, and threonine is the reference amino acid in other vertebrate species. In addition, the in silico prediction for this alteration is inconclusive. Based on the available evidence, the clinical significance of this variant remains unclear.

Labcorp Genetics (formerly Invitae), Labcorp
Classification: Uncertain significance for Hereditary breast ovarian cancer syndrome. Last evaluated: 2024-06-04. Review status: criteria provided, single submitter. Criteria: Invitae Variant Classification Sherloc (09022015). Collection method: clinical testing. Allele origin: germline.
Comment: This sequence change replaces serine, which is neutral and polar, with threonine, which is neutral and polar, at codon 217 of the BRCA1 protein (p.Ser217Thr). This variant is not present in population databases (gnomAD no frequency). This variant has not been reported in the literature in individuals affected with BRCA1-related conditions. ClinVar contains an entry for this variant (Variation ID: 531351). Advanced modeling of protein sequence and biophysical properties (such as structural, functional, and spatial information, amino acid conservation, physicochemical variation, residue mobility, and thermodynamic stability) performed at Invitae indicates that this missense variant is not expected to disrupt BRCA1 protein function with a negative predictive value of 95%. In summary, the available evidence is currently insufficient to determine the role of this variant in disease. Therefore, it has been classified as a Variant of Uncertain Significance.

All of Us Research Program, National Institutes of Health
Classification: Uncertain significance for Breast-ovarian cancer, familial, susceptibility to, 1. Last evaluated: 2023-11-20. Review status: criteria provided, single submitter. Criteria: ACMG Guidelines, 2015. Collection method: clinical testing. Allele origin: germline. Inheritance: Autosomal dominant inheritance. Observed: 1 variant allele, 1 heterozygote.
Comment: This missense variant replaces serine with threonine at codon 217 in the BRCA1 protein. Computational prediction is inconclusive regarding the impact of this variant on protein structure and function (internally defined REVEL score threshold 0.5 < inconclusive < 0.7, PMID: 27666373). To our knowledge, functional studies have not been reported for this variant. This variant has not been reported in individuals affected with BRCA1-related disorders in the literature. This variant has not been identified in the general population by the Genome Aggregation Database (gnomAD). The available evidence is insufficient to determine the role of this variant in disease conclusively. Therefore, this variant is classified as a Variant of Uncertain Significance.

This study involves interpretation of variants in research participants for the purpose of population health screening. Participant phenotype was not available at the time of variant classification. Additional details can be found in publication PMID: 35346344, PMCID: PMC8962531